The following is an entry in ClinVar:

ClinVar aggregate classification (germline): Likely benign. Review status: criteria provided, multiple submitters, no conflicts (2 of 4 stars). 5 submissions from 3 submitters: Likely benign (5). Last evaluated 2025-12-01.

Conditions:
Charcot-Marie-Tooth disease axonal type 2X. Also called: CHARCOT-MARIE-TOOTH DISEASE, AXONAL, AUTOSOMAL RECESSIVE, TYPE 2X; CHARCOT-MARIE-TOOTH NEUROPATHY, TYPE 2X. Identifiers: Orphanet 466775, MedGen C5569024, MONDO:0014726, OMIM 616668.
Amyotrophic lateral sclerosis type 5 (ALS5). Also called: AMYOTROPHIC LATERAL SCLEROSIS 5, JUVENILE. Identifiers: Orphanet 300605, MedGen C1865864, MONDO:0011196, OMIM 602099.
Hereditary spastic paraplegia 11. Also called: Spastic paraplegia, mental retardation and thin corpus callosum; Nakamura Osame syndrome; Autosomal recessive hereditary spastic paraplegia, mental impairment, and thin corpus callosum; Spastic Paraplegia 11; SPASTIC PARAPLEGIA, AUTOSOMAL RECESSIVE, COMPLICATED, WITH THIN CORPUS CALLOSUM; SPASTIC PARAPLEGIA, AUTOSOMAL RECESSIVE, WITH MENTAL IMPAIRMENT AND THIN CORPUS CALLOSUM. Identifiers: Orphanet 2822, MedGen C1858479, MONDO:0011445, OMIM 604360.

Allele frequency attached by ClinVar (database versions not stated): gnomAD exomes 0.00001.

Submissions (5):

Labcorp Genetics (formerly Invitae), Labcorp
Classification: Likely benign for Hereditary spastic paraplegia 11. Last evaluated: 2025-12-01. Review status: criteria provided, single submitter. Criteria: Invitae Variant Classification Sherloc (09022015). Collection method: clinical testing. Allele origin: germline.

GeneDx
Classification: Likely benign. Last evaluated: 2016-12-20. Review status: criteria provided, single submitter. Criteria: GeneDx Variant Classification (06012015). Collection method: clinical testing. Allele origin: germline. Affected: yes.
Comment: This variant is considered likely benign or benign based on one or more of the following criteria: it is a conservative change, it occurs at a poorly conserved position in the protein, it is predicted to be benign by multiple in silico algorithms, and/or has population frequency not consistent with disease.

Genome-Nilou Lab
Classification: Likely benign for Amyotrophic lateral sclerosis type 5. Review status: criteria provided, single submitter. Criteria: ACMG Guidelines, 2015. Collection method: clinical testing. Allele origin: germline.

Genome-Nilou Lab
Classification: Likely benign for Charcot-Marie-Tooth disease axonal type 2X. Review status: criteria provided, single submitter. Criteria: ACMG Guidelines, 2015. Collection method: clinical testing. Allele origin: germline.

Genome-Nilou Lab
Classification: Likely benign for Hereditary spastic paraplegia 11. Review status: criteria provided, single submitter. Criteria: ACMG Guidelines, 2015. Collection method: clinical testing. Allele origin: germline.

NM_025137.4(SPG11):c.6586-7T>C

Gene: SPG11 (SPG11 vesicle trafficking associated, spatacsin; minus strand). Cytogenetic location: 15q21.1.
Variant type: single nucleotide variant.
Coding change: c.6586-7T>C on transcript NM_025137.4 (MANE Select); 7 bases into the intron before coding-DNA position 6586, T replaced by C.
Molecular consequence: intron variant.
Genome position (GRCh38, 1-based): chr15:44,567,599, A>G on the plus strand (T>C on the coding strand, the complement: SPG11 is on the minus strand). VCF-style: chr15-44567599-A-G. GRCh37 (hg19) VCF-style: chr15-44859797-A-G.
Other names: c.6247-7T>C (NM_001160227.2).
Identifiers: ClinVar variation 391758 (VCV000391758.10), dbSNP rs1057524222, ClinGen allele CA16606678.